The following is an entry in ClinVar:

ClinVar aggregate classification (germline): Pathogenic (1 of 4 stars; one submission).

Conditions:
Kabuki syndrome. Also called: NIIKAWA-KUROKI SYNDROME; Kabuki make-up syndrome. Identifiers: Orphanet 2322, MedGen C0796004, MONDO:0016512.

Submission:

Labcorp Genetics (formerly Invitae), Labcorp
Classification: Pathogenic for Kabuki syndrome. Last evaluated: 2022-02-04. Review status: criteria provided, single submitter. Criteria: Invitae Variant Classification Sherloc (09022015). Collection method: clinical testing. Allele origin: germline.
Comment: This sequence change creates a premature translational stop signal (p.Val3787Glyfs*225) in the KMT2D gene. It is expected to result in an absent or disrupted protein product. Loss-of-function variants in KMT2D are known to be pathogenic (PMID: 22126750). This variant is not present in population databases (gnomAD no frequency). This variant has not been reported in the literature in individuals affected with KMT2D-related conditions. For these reasons, this variant has been classified as Pathogenic.

Literature cited by the submitters: PubMed 22126750.

NM_003482.4(KMT2D):c.11359dup (p.Val3787fs)

Gene: KMT2D (lysine methyltransferase 2D; minus strand). Cytogenetic location: 12q13.12.
Variant type: Duplication.
Coding change: c.11359dup on transcript NM_003482.4 (MANE Select); coding-DNA position 11359, one base duplicated (G; older notation c.11359dupG).
Protein change: p.Val3787fs; shifts the reading frame from valine 3787.
Molecular consequence: frameshift variant.
Genome position (GRCh38, 1-based): chr12:49,033,346, C duplicated on the plus strand (G on the coding strand, the reverse complement: KMT2D is on the minus strand); the first of 2 consecutive C bases (chr12:49,033,346-49,033,347); duplicating either gives the same sequence. VCF-style (leftmost placement, unchanged base first): chr12-49033345-A-AC. GRCh37 (hg19) VCF-style: chr12-49427128-A-AC.
Other names: short protein forms V3787fs.
Identifiers: ClinVar variation 1399964 (VCV001399964.6), dbSNP rs2120442038, ClinGen allele CA2573148663.
Genomic context (GRCh38, chr12:49,033,345, plus strand): 5'-ACCTGGGCAGGGCCCAGCATGCCCTGGGGCCCCTGGGGTGGTTGAGGGGACAGCTGCTGG[A>AC]CCAGGAGGCCTTGGTGGCTGCTGGGAGGCATAAGGCCCTGGGGCTTGGGACCCAGAGCTT-3'